The following is an entry in ClinVar:

NM_020631.6(PLEKHG5):c.2173G>T (p.Glu725Ter)

Gene: PLEKHG5 (pleckstrin homology and RhoGEF domain containing G5; minus strand). Cytogenetic location: 1p36.31.
Variant type: single nucleotide variant.
Coding change: c.2173G>T on transcript NM_020631.6 (MANE Select); coding-DNA position 2173, G replaced by T.
Protein change: p.Glu725Ter; replaces glutamic acid 725 with a stop codon.
Molecular consequence: nonsense.
Genome position (GRCh38, 1-based): chr1:6,469,118, C>A on the plus strand (G>T on the coding strand, the complement: PLEKHG5 is on the minus strand). VCF-style: chr1-6469118-C-A. GRCh37 (hg19) VCF-style: chr1-6529178-C-A.
Other names: c.2284G>T, p.Glu762Ter (NM_001042663.3, NM_001265592.2); c.2173G>T, p.Glu725Ter (NM_001042664.2, NM_001042665.2, NM_001265594.3 and 1 more transcripts); c.2380G>T, p.Glu794Ter (NM_001265593.2); short protein forms E725*, E762*, E794*.
Identifiers: ClinVar variation 3755976 (VCV003755976.2).
Genomic context (GRCh38, chr1:6,469,118, plus strand): 5'-GGCTGCCGCTGCTTTTCCGCATGATGGTAGGGGAGCTGGCAGCTGAAGTGCCACTGTCCT[C>A]GCCTTCCTCCTCCTCCTCCTCCTCCTCCTCTTCCTCCTCCTGCTCATCCTCCTCCTCTTC-3'

ClinVar aggregate classification (germline): Pathogenic (1 of 4 stars; one submission).

Conditions:
Neuronopathy, distal hereditary motor, autosomal recessive 4. Also called: Autosomal recessive lower motor neuron disease with childhood onset; NEUROPATHY, DISTAL HEREDITARY MOTOR, AUTOSOMAL RECESSIVE 4. Identifiers: Orphanet 206580, MedGen C1970211, MONDO:0012608, OMIM 611067.
Charcot-Marie-Tooth disease recessive intermediate C. Also called: CHARCOT-MARIE-TOOTH NEUROPATHY, RECESSIVE INTERMEDIATE C. Identifiers: Orphanet 369867, MedGen C3809309, MONDO:0014154, OMIM 615376.

gnomAD v4.1: 1 of 1,611,100 alleles (0.000062%); highest among the groups gnomAD compares: Non-Finnish European, 0.000085%; no homozygotes.

Submission:

Labcorp Genetics (formerly Invitae), Labcorp
Classification: Pathogenic for Neuronopathy, distal hereditary motor, autosomal recessive 4; Charcot-Marie-Tooth disease recessive intermediate C. Last evaluated: 2024-04-24. Review status: criteria provided, single submitter. Criteria: Invitae Variant Classification Sherloc (09022015). Collection method: clinical testing. Allele origin: germline.
Comment: This sequence change creates a premature translational stop signal (p.Glu725*) in the PLEKHG5 gene. It is expected to result in an absent or disrupted protein product. Loss-of-function variants in PLEKHG5 are known to be pathogenic (PMID: 17564964, 23777631). This variant is not present in population databases (gnomAD no frequency). This variant has not been reported in the literature in individuals affected with PLEKHG5-related conditions. For these reasons, this variant has been classified as Pathogenic.

Literature cited by the submitters: PubMed 17564964; PubMed 23777631.